The following is an entry in ClinVar:

ClinVar aggregate classification (germline): Conflicting classifications of pathogenicity. Review status: criteria provided, conflicting classifications (1 of 4 stars). 4 submissions from 4 submitters: Uncertain significance (1); Benign (1); Likely benign (1). 1 of the submissions does not count toward it. Last evaluated 2026-01-25.

Conditions:
CETP-related disorder. Also called: CETP-related condition.
Hyperalphalipoproteinemia 1 (HALP1). Also called: CETP-Related Hyperalphalipoproteinemia; CETP DEFICIENCY. Identifiers: MedGen C3149462, OMIM 143470.

Allele frequency attached by ClinVar (database versions not stated): gnomAD below 0.00001 and 0.00001; TOPMed 0.00001.
gnomAD v4.1: 101 of 1,613,956 alleles (0.0063%); highest among the groups gnomAD compares: South Asian, 0.079%; 1 homozygote.

Submissions (4):

Labcorp Genetics (formerly Invitae), Labcorp
Classification: Likely benign. Last evaluated: 2026-01-25. Review status: criteria provided, single submitter. Criteria: Invitae Variant Classification Sherloc (09022015). Collection method: clinical testing. Allele origin: germline.

GeneDx
Classification: Uncertain significance. Last evaluated: 2023-07-19. Review status: criteria provided, single submitter. Criteria: GeneDx Variant Classification Process June 2021. Collection method: clinical testing. Allele origin: germline. Affected: yes.
Comment: In silico analysis supports that this missense variant has a deleterious effect on protein structure/function; Has not been previously published as pathogenic or benign to our knowledge

Illumina Laboratory Services, Illumina
Classification: Benign for Hyperalphalipoproteinemia 1. Last evaluated: 2018-01-13. Review status: criteria provided, single submitter. Criteria: ICSL Variant Classification Criteria 13 December 2019. Collection method: clinical testing. Allele origin: germline.
Comment: This variant was observed in the ICSL laboratory as part of a predisposition screen in an ostensibly healthy population. It had not been previously curated by ICSL or reported in the Human Gene Mutation Database (HGMD: prior to June 1st, 2018), and was therefore a candidate for classification through an automated scoring system. Utilizing variant allele frequency, disease prevalence and penetrance estimates, and inheritance mode, an automated score was calculated to assess if this variant is too frequent to cause the disease. Based on the score and internal cut-off values, a variant classified as benign is not then subjected to further curation. The score for this variant resulted in a classification of benign for this disease.

PreventionGenetics, part of Exact Sciences
Classification: Likely benign for CETP-related condition. Last evaluated: 2023-11-13. Review status: no assertion criteria provided. Collection method: clinical testing. Allele origin: germline. Not counted in ClinVar's aggregate classification.
Comment: This variant is classified as likely benign based on ACMG/AMP sequence variant interpretation guidelines (Richards et al. 2015 PMID: 25741868, with internal and published modifications).

NM_000078.3(CETP):c.443G>A (p.Cys148Tyr)

Gene: CETP (cholesteryl ester transfer protein; plus strand). Cytogenetic location: 16q13.
Variant type: single nucleotide variant.
Coding change: c.443G>A on transcript NM_000078.3 (MANE Select); coding-DNA position 443, G replaced by A.
Protein change: p.Cys148Tyr; replaces cysteine 148 with tyrosine.
Molecular consequence: missense variant.
Genome position (GRCh38, 1-based): chr16:56,969,917, G>A. VCF-style: chr16-56969917-G-A. GRCh37 (hg19) VCF-style: chr16-57003829-G-A.
Other names: c.443G>A, p.Cys148Tyr (NM_001286085.2); short protein forms C148Y.
Identifiers: ClinVar variation 885591 (VCV000885591.10), dbSNP rs778814831, ClinGen allele CA8070937.